The following is an entry in ClinVar:

ClinVar aggregate classification (germline): Uncertain significance (1 of 4 stars; one submission).

Conditions:
Accelerated tumor formation, susceptibility to (ACTFS). Identifiers: MedGen C3280690, OMIM 614401, MONDO:0013733.

Submission:

Labcorp Genetics (formerly Invitae), Labcorp
Classification: Uncertain significance for Accelerated tumor formation, susceptibility to. Last evaluated: 2021-10-28. Review status: criteria provided, single submitter. Criteria: Invitae Variant Classification Sherloc (09022015). Collection method: clinical testing. Allele origin: germline.
Comment: In summary, the available evidence is currently insufficient to determine the role of this variant in disease. Therefore, it has been classified as a Variant of Uncertain Significance. Algorithms developed to predict the effect of missense changes on protein structure and function are either unavailable or do not agree on the potential impact of this missense change (SIFT: "Deleterious"; PolyPhen-2: "Probably Damaging"; Align-GVGD: "Class C0"). This variant has not been reported in the literature in individuals affected with MDM2-related conditions. This variant is not present in population databases (gnomAD no frequency). This sequence change replaces histidine, which is basic and polar, with leucine, which is neutral and non-polar, at codon 324 of the MDM2 protein (p.His324Leu).

NM_002392.6(MDM2):c.971A>T (p.His324Leu)

Gene: MDM2 (MDM2 proto-oncogene; plus strand). Cytogenetic location: 12q15.
Variant type: single nucleotide variant.
Coding change: c.971A>T on transcript NM_002392.6 (MANE Select); coding-DNA position 971, A replaced by T.
Protein change: p.His324Leu; replaces histidine 324 with leucine.
Molecular consequence: missense variant.
Genome position (GRCh38, 1-based): chr12:68,839,326, A>T. VCF-style: chr12-68839326-A-T. GRCh37 (hg19) VCF-style: chr12-69233106-A-T.
Other names: c.812A>T, p.His271Leu (NM_001145337.3); c.806A>T, p.His269Leu (NM_001145339.2); c.365A>T, p.His122Leu (NM_001145340.3); c.443A>T, p.His148Leu (NM_001278462.2); c.953A>T, p.His318Leu (NM_001367990.1); short protein forms H271L, H122L, H269L, H318L, H148L, H324L.
Identifiers: ClinVar variation 1389831 (VCV001389831.6), dbSNP rs2136177157, ClinGen allele CA385704479.